The following is an entry in ClinVar:

NM_001170700.3(DTHD1):c.2495C>G (p.Thr832Ser)

Gene: DTHD1 (death domain containing 1; plus strand). Cytogenetic location: 4p14.
Variant type: single nucleotide variant.
Coding change: c.2495C>G on transcript NM_001170700.3 (MANE Select); coding-DNA position 2495, C replaced by G.
Protein change: p.Thr832Ser; replaces threonine 832 with serine.
Molecular consequence: missense variant. On other transcripts: non-coding transcript variant (2).
Genome position (GRCh38, 1-based): chr4:36,343,598, C>G. VCF-style: chr4-36343598-C-G. GRCh37 (hg19) VCF-style: chr4-36345220-C-G.
Other names: c.1625C>G, p.Thr542Ser (NM_001136536.5); c.1504C>G, p.Pro502Ala (NM_001378435.1); c.2120C>G (NM_001170700.1); short protein forms P502A, T832S, T542S.
Identifiers: ClinVar variation 963453 (VCV000963453.9), dbSNP rs930334304, ClinGen allele CA95814257.
Genomic context (GRCh38, chr4:36,343,598, plus strand): 5'-AGGAGCTCTCAGAAGAAAATGCTGAGTCTCTTTCCTCAACTCTCCCTCTGCGCCGTAGCA[C>G]CATTCAGCTCATCAAACTCAAGAACCCTGATGATCTCACAGAACAGATCCACGAGTTTCT-3'
Protein context (NP_001164171.2, residues 822-842): LSSTLPLRRS[Thr832Ser]IQLIKLKNPD

ClinVar aggregate classification (germline): Uncertain significance. Review status: criteria provided, multiple submitters, no conflicts (2 of 4 stars). 2 submissions from 2 submitters: Uncertain significance (2). Last evaluated 2025-02-03.

Allele frequency attached by ClinVar (database versions not stated): gnomAD 0.00001 and 0.00003; gnomAD exomes 0.00001; TOPMed 0.00008.
gnomAD v4.1: 9 of 1,551,720 alleles (0.00058%); highest among the groups gnomAD compares: Admixed American, 0.0078%; no homozygotes.

Submissions (2):

Labcorp Genetics (formerly Invitae), Labcorp
Classification: Uncertain significance. Last evaluated: 2025-02-03. Review status: criteria provided, single submitter. Criteria: Invitae Variant Classification Sherloc (09022015). Collection method: clinical testing. Allele origin: germline.
Comment: This sequence change replaces threonine, which is neutral and polar, with serine, which is neutral and polar, at codon 542 of the DTHD1 protein (p.Thr542Ser). This variant is present in population databases (no rsID available, gnomAD 0.004%). This variant has not been reported in the literature in individuals affected with DTHD1-related conditions. ClinVar contains an entry for this variant (Variation ID: 963453). An algorithm developed to predict the effect of missense changes on protein structure and function outputs the following: PolyPhen-2: "Benign". The serine amino acid residue is found in multiple mammalian species, which suggests that this missense change does not adversely affect protein function. In summary, the available evidence is currently insufficient to determine the role of this variant in disease. Therefore, it has been classified as a Variant of Uncertain Significance.

Ambry Genetics
Classification: Uncertain significance. Last evaluated: 2024-01-04. Review status: criteria provided, single submitter. Criteria: Ambry Variant Classification Scheme 2023. Collection method: clinical testing. Allele origin: germline.